The following is an entry in ClinVar:

ClinVar aggregate classification (germline): Uncertain significance (1 of 4 stars; one submission).

Submission:

Labcorp Genetics (formerly Invitae), Labcorp
Classification: Uncertain significance. Last evaluated: 2022-05-30. Review status: criteria provided, single submitter. Criteria: Invitae Variant Classification Sherloc (09022015). Collection method: clinical testing. Allele origin: germline.
Comment: This variant is not present in population databases (gnomAD no frequency). This sequence change replaces glutamic acid, which is acidic and polar, with glutamine, which is neutral and polar, at codon 481 of the TONSL protein (p.Glu481Gln). This variant has not been reported in the literature in individuals affected with TONSL-related conditions. Algorithms developed to predict the effect of missense changes on protein structure and function (SIFT, PolyPhen-2, Align-GVGD) all suggest that this variant is likely to be tolerated. In summary, the available evidence is currently insufficient to determine the role of this variant in disease. Therefore, it has been classified as a Variant of Uncertain Significance.

NM_013432.5(TONSL):c.1441G>C (p.Glu481Gln)

Gene: TONSL (tonsoku like, DNA repair protein; minus strand). Cytogenetic location: 8q24.3.
Variant type: single nucleotide variant.
Coding change: c.1441G>C on transcript NM_013432.5 (MANE Select); coding-DNA position 1441, G replaced by C.
Protein change: p.Glu481Gln; replaces glutamic acid 481 with glutamine.
Molecular consequence: missense variant.
Genome position (GRCh38, 1-based): chr8:144,440,060, C>G on the plus strand (G>C on the coding strand, the complement: TONSL is on the minus strand). VCF-style: chr8-144440060-C-G. GRCh37 (hg19) VCF-style: chr8-145665443-C-G.
Other names: short protein forms E481Q.
Identifiers: ClinVar variation 2001110 (VCV002001110.4), dbSNP rs146174683, ClinGen allele CA372667036.
Genomic context (GRCh38, chr8:144,440,060, plus strand): 5'-CAAGGTGCCGCTGGCCCTCACCGCCCTCTGAGAGCTCCACCTCGCCGGCCTCCAGGGCTT[C>G]GCTCTCCGCTGTGGCTGCCGCCTCCTCCGCCTCCTCCTCCTCATCTTCATCTTCAGCTAC-3'
Protein context (NP_038460.4, residues 471-491): AEEAAATAES[Glu481Gln]ALEAGEVELS